The following is an entry in ClinVar:

NM_203446.3(SYNJ1):c.3323C>T (p.Pro1108Leu)

Gene: SYNJ1 (synaptojanin 1; minus strand). Cytogenetic location: 21q22.11.
Variant type: single nucleotide variant.
Coding change: c.3323C>T on transcript NM_203446.3 (MANE Select); coding-DNA position 3323, C replaced by T.
Protein change: p.Pro1108Leu; replaces proline 1108 with leucine.
Molecular consequence: missense variant.
Genome position (GRCh38, 1-based): chr21:32,645,714, G>A on the plus strand (C>T on the coding strand, the complement: SYNJ1 is on the minus strand). VCF-style: chr21-32645714-G-A. GRCh37 (hg19) VCF-style: chr21-34018024-G-A.
Other names: c.3323C>T, p.Pro1108Leu (NM_001160302.2); c.3308C>T, p.Pro1103Leu (NM_001160306.2); c.3440C>T, p.Pro1147Leu (NM_003895.4); short protein forms P1103L, P1108L, P1147L.
Identifiers: ClinVar variation 2157140 (VCV002157140.2), dbSNP rs765767792, ClinGen allele CA10003450.

ClinVar aggregate classification (germline): Uncertain significance. Review status: criteria provided, multiple submitters, no conflicts (2 of 4 stars). 2 submissions from 2 submitters: Uncertain significance (2). Last evaluated 2025-07-18.

Conditions:
Developmental and epileptic encephalopathy, 53. Also called: Epileptic encephalopathy, early infantile, 53. Identifiers: MedGen C4479313, MONDO:0033362, OMIM 617389.
Early-onset Parkinson disease 20. Also called: PARKINSON DISEASE 20, AUTOSOMAL RECESSIVE EARLY-ONSET. Identifiers: Orphanet 391411, MedGen C3809824, MONDO:0014233, OMIM 615530.

Allele frequency attached by ClinVar (database versions not stated): gnomAD 0.00003; ExAC 0.00043.
gnomAD v4.1: 47 of 1,471,922 alleles (0.0032%); highest among the groups gnomAD compares: Non-Finnish European, 0.0017%; no homozygotes.

Submissions (2):

GeneDx
Classification: Uncertain significance. Last evaluated: 2025-07-18. Review status: criteria provided, single submitter. Criteria: GeneDx Variant Classification Process June 2021. Collection method: clinical testing. Allele origin: germline. Affected: yes.
Comment: In silico analysis supports that this missense variant has a deleterious effect on protein structure/function; Has not been previously published as pathogenic or benign to our knowledge

Labcorp Genetics (formerly Invitae), Labcorp
Classification: Uncertain significance for Developmental and epileptic encephalopathy, 53; Early-onset Parkinson disease 20. Last evaluated: 2022-03-23. Review status: criteria provided, single submitter. Criteria: Invitae Variant Classification Sherloc (09022015). Collection method: clinical testing. Allele origin: germline.
Comment: This sequence change replaces proline, which is neutral and non-polar, with leucine, which is neutral and non-polar, at codon 1147 of the SYNJ1 protein (p.Pro1147Leu). This variant is present in population databases (rs765767792, gnomAD 0.1%). This variant has not been reported in the literature in individuals affected with SYNJ1-related conditions. Algorithms developed to predict the effect of missense changes on protein structure and function (SIFT, PolyPhen-2, Align-GVGD) all suggest that this variant is likely to be tolerated. In summary, the available evidence is currently insufficient to determine the role of this variant in disease. Therefore, it has been classified as a Variant of Uncertain Significance.